The following is an entry in ClinVar:

NM_006269.2(RP1):c.4701G>A (p.Met1567Ile)

Gene: RP1 (RP1 axonemal microtubule associated; plus strand). Cytogenetic location: 8q12.1.
Variant type: single nucleotide variant.
Coding change: c.4701G>A on transcript NM_006269.2 (MANE Select); coding-DNA position 4701, G replaced by A.
Protein change: p.Met1567Ile; replaces methionine 1567 with isoleucine.
Molecular consequence: missense variant. On other transcripts: intron variant (1).
Genome position (GRCh38, 1-based): chr8:54,628,583, G>A. VCF-style: chr8-54628583-G-A. GRCh37 (hg19) VCF-style: chr8-55541143-G-A.
Other names: c.787+6295G>A (NM_001375654.1); short protein forms M1567I.
Identifiers: ClinVar variation 1373475 (VCV001373475.6), dbSNP rs1358764700, ClinGen allele CA370982992.
Genomic context (GRCh38, chr8:54,628,583, plus strand): 5'-TAGTGAAAAGGAGACCAATGAAGGAGAAACTAAGATGGTAAAAATGATGGTGAAAACTAT[G>A]GAAACTGGAAGTTATTCAGAGTCCTCTCCTGATTTAAAAAAATGCATCAAAAGTCCAGTG-3'
Protein context (NP_006260.1, residues 1557-1577): TKMVKMMVKT[Met1567Ile]ETGSYSESSP

ClinVar aggregate classification (germline): Uncertain significance (1 of 4 stars; one submission).

Allele frequency attached by ClinVar (database versions not stated): gnomAD exomes below 0.00001.

Submission:

Labcorp Genetics (formerly Invitae), Labcorp
Classification: Uncertain significance. Last evaluated: 2022-10-24. Review status: criteria provided, single submitter. Criteria: Invitae Variant Classification Sherloc (09022015). Collection method: clinical testing. Allele origin: germline.
Comment: Algorithms developed to predict the effect of missense changes on protein structure and function output the following: SIFT: "Tolerated"; PolyPhen-2: "Benign"; Align-GVGD: "Class C0". The isoleucine amino acid residue is found in multiple mammalian species, which suggests that this missense change does not adversely affect protein function. This sequence change replaces methionine, which is neutral and non-polar, with isoleucine, which is neutral and non-polar, at codon 1567 of the RP1 protein (p.Met1567Ile). This variant is present in population databases (no rsID available, gnomAD 0.0009%). This variant has not been reported in the literature in individuals affected with RP1-related conditions. ClinVar contains an entry for this variant (Variation ID: 1373475). In summary, the available evidence is currently insufficient to determine the role of this variant in disease. Therefore, it has been classified as a Variant of Uncertain Significance.